The following is an entry in ClinVar:

ClinVar aggregate classification (germline): Uncertain significance (1 of 4 stars; one submission).

Conditions:
Hereditary cancer-predisposing syndrome. Also called: Neoplastic Syndromes, Hereditary; Tumor predisposition; Hereditary neoplastic syndrome; Hereditary Cancer Syndrome. Identifiers: Orphanet 140162, MedGen C0027672, MeSH D009386, MONDO:0015356.

Submission:

Ambry Genetics
Classification: Uncertain significance for Hereditary cancer-predisposing syndrome. Last evaluated: 2024-04-24. Review status: criteria provided, single submitter. Criteria: Ambry Variant Classification Scheme 2023. Collection method: clinical testing. Allele origin: germline.
Comment: The p.K501N variant (also known as c.1503A>C), located in coding exon 10 of the RAD50 gene, results from an A to C substitution at nucleotide position 1503. The lysine at codon 501 is replaced by asparagine, an amino acid with similar properties. This amino acid position is well conserved in available vertebrate species. In addition, this alteration is predicted to be tolerated by in silico analysis. Based on the available evidence, the clinical significance of this variant remains unclear.

NM_005732.4(RAD50):c.1503A>C (p.Lys501Asn)

Gene: RAD50 (RAD50 double strand break repair protein; plus strand). Cytogenetic location: 5q31.1.
Variant type: single nucleotide variant.
Coding change: c.1503A>C on transcript NM_005732.4 (MANE Select); coding-DNA position 1503, A replaced by C.
Protein change: p.Lys501Asn; replaces lysine 501 with asparagine.
Molecular consequence: missense variant.
Genome position (GRCh38, 1-based): chr5:132,591,274, A>C. VCF-style: chr5-132591274-A-C. GRCh37 (hg19) VCF-style: chr5-131926966-A-C.
Other names: short protein forms K501N.
Identifiers: ClinVar variation 3312295 (VCV003312295.1).